The following is an entry in ClinVar:

ClinVar aggregate classification (germline): Likely benign. Review status: criteria provided, multiple submitters, no conflicts (2 of 4 stars). 4 submissions from 4 submitters: Likely benign (3). 1 of the submissions does not count toward it. Last evaluated 2026-01-14.

Conditions:
NEBL-related disorder. Also called: NEBL-related condition.
Primary dilated cardiomyopathy (DCM). Also called: Dilated Cardiomyopathy. Identifiers: Orphanet 217604, MedGen C0007193, MeSH D002311, MONDO:0005021, HP:0001644. Inheritance: Various modes of inheritance.

Allele frequency attached by ClinVar (database versions not stated): gnomAD 0.00003 and 0.00004; TOPMed 0.00006.
gnomAD v4.1: 108 of 1,613,930 alleles (0.0067%); highest among the groups gnomAD compares: Admixed American, 0.015%; no homozygotes.

Submissions (4):

Labcorp Genetics (formerly Invitae), Labcorp
Classification: Likely benign for Primary dilated cardiomyopathy. Last evaluated: 2026-01-14. Review status: criteria provided, single submitter. Criteria: Invitae Variant Classification Sherloc (09022015). Collection method: clinical testing. Allele origin: germline.

Ambry Genetics
Classification: Likely benign. Last evaluated: 2022-04-04. Review status: criteria provided, single submitter. Criteria: Ambry Variant Classification Scheme 2023. Collection method: clinical testing. Allele origin: germline.

GeneDx
Classification: Likely benign. Last evaluated: 2019-08-21. Review status: criteria provided, single submitter. Criteria: GeneDx Variant Classification Process June 2021. Collection method: clinical testing. Allele origin: germline. Affected: yes.

PreventionGenetics, part of Exact Sciences
Classification: Likely benign for NEBL-related condition. Last evaluated: 2019-06-25. Review status: no assertion criteria provided. Collection method: clinical testing. Allele origin: germline. Not counted in ClinVar's aggregate classification.
Comment: This variant is classified as likely benign based on ACMG/AMP sequence variant interpretation guidelines (Richards et al. 2015 PMID: 25741868, with internal and published modifications).

NM_006393.3(NEBL):c.2013G>A (p.Pro671=)

Gene: NEBL (nebulette; minus strand). Cytogenetic location: 10p12.31.
Variant type: single nucleotide variant.
Coding change: c.2013G>A on transcript NM_006393.3 (MANE Select); coding-DNA position 2013, G replaced by A.
Protein change: p.Pro671=; no amino-acid change (proline 671 retained).
Molecular consequence: synonymous variant. On other transcripts: intron variant (9).
Genome position (GRCh38, 1-based): chr10:20,819,466, C>T on the plus strand (G>A on the coding strand, the complement: NEBL is on the minus strand). VCF-style: chr10-20819466-C-T. GRCh37 (hg19) VCF-style: chr10-21108395-C-T.
Other names: c.250-6526G>A (NM_001377326.1, NM_001377327.1, NM_001377328.1); c.358-6526G>A (NM_213569.2, NM_001173484.2, NM_001377322.1); c.301-6526G>A (NM_001377324.1); c.292-6526G>A (NM_001377325.1); c.310-6526G>A (NM_001377323.1).
Identifiers: ClinVar variation 417186 (VCV000417186.17), dbSNP rs781677922, ClinGen allele CA5432648.
Genomic context (GRCh38, chr10:20,819,466, plus strand): 5'-GAAACAGAAACGACTTGCCGCACTCAGCTGCTCCTGGTTTCGCCTCACTCTCTCTATCTC[C>T]GGGGTCATGCTTACCGGAGTGGCCTTGTAGTTTTGCTCTTTATACTGGAGCTGAGAGACA-3'
Protein context (NP_006384.1, residues 661-681): NYKATPVSMT[Pro671=]EIERVRRNQE